The following is an entry in ClinVar:

ClinVar aggregate classification (germline): Uncertain significance (1 of 4 stars; one submission).

Conditions:
Hereditary cancer-predisposing syndrome. Also called: Hereditary neoplastic syndrome; Neoplastic Syndromes, Hereditary; Tumor predisposition; Hereditary Cancer Syndrome. Identifiers: Orphanet 140162, MedGen C0027672, MeSH D009386, MONDO:0015356.

Submission:

Ambry Genetics
Classification: Uncertain significance for Hereditary cancer-predisposing syndrome. Last evaluated: 2025-03-12. Review status: criteria provided, single submitter. Criteria: Ambry Variant Classification Scheme 2023. Collection method: clinical testing. Allele origin: germline.
Comment: The p.V275M variant (also known as c.823G>A), located in coding exon 7 of the EPCAM gene, results from a G to A substitution at nucleotide position 823. The valine at codon 275 is replaced by methionine, an amino acid with highly similar properties. This amino acid position is conserved. In addition, the in silico prediction for this alteration is inconclusive. Based on the available evidence, the clinical significance of this variant remains unclear.

NM_002354.3(EPCAM):c.823G>A (p.Val275Met)

Gene: EPCAM (epithelial cell adhesion molecule; plus strand). Cytogenetic location: 2p21.
Variant type: single nucleotide variant.
Coding change: c.823G>A on transcript NM_002354.3 (MANE Select); coding-DNA position 823, G replaced by A.
Protein change: p.Val275Met; replaces valine 275 with methionine.
Molecular consequence: missense variant.
Genome position (GRCh38, 1-based): chr2:47,379,934, G>A. VCF-style: chr2-47379934-G-A. GRCh37 (hg19) VCF-style: chr2-47607073-G-A.
Other names: short protein forms V275M.
Identifiers: ClinVar variation 3845284 (VCV003845284.1).